The following is an entry in ClinVar:

NM_004304.5(ALK):c.626G>A (p.Arg209His)

Gene: ALK (ALK receptor tyrosine kinase; minus strand). Cytogenetic location: 2p23.1.
Variant type: single nucleotide variant.
Coding change: c.626G>A on transcript NM_004304.5 (MANE Select); coding-DNA position 626, G replaced by A.
Protein change: p.Arg209His; replaces arginine 209 with histidine.
Molecular consequence: missense variant.
Genome position (GRCh38, 1-based): chr2:29,920,034, C>T on the plus strand (G>A on the coding strand, the complement: ALK is on the minus strand). VCF-style: chr2-29920034-C-T. GRCh37 (hg19) VCF-style: chr2-30142900-C-T.
Other names: short protein forms R209H.
Identifiers: ClinVar variation 3223920 (VCV003223920.1), dbSNP rs1667946087, ClinGen allele CA346589662.

ClinVar aggregate classification (germline): Uncertain significance (1 of 4 stars; one submission).

Conditions:
Hereditary cancer-predisposing syndrome. Also called: Tumor predisposition; Hereditary neoplastic syndrome; Hereditary Cancer Syndrome; Neoplastic Syndromes, Hereditary. Identifiers: Orphanet 140162, MedGen C0027672, MeSH D009386, MONDO:0015356.

Allele frequency attached by ClinVar (database versions not stated): gnomAD exomes below 0.00001.
gnomAD v4.1: 2 of 1,614,142 alleles (0.00012%); highest among the groups gnomAD compares: African/African-American, 0.0013%; no homozygotes.

Submission:

Ambry Genetics
Classification: Uncertain significance for Hereditary cancer-predisposing syndrome. Last evaluated: 2023-10-15. Review status: criteria provided, single submitter. Criteria: Ambry Variant Classification Scheme 2023. Collection method: clinical testing. Allele origin: germline.
Comment: The p.R209H variant (also known as c.626G>A), located in coding exon 1 of the ALK gene, results from a G to A substitution at nucleotide position 626. The arginine at codon 209 is replaced by histidine, an amino acid with highly similar properties. This amino acid position is conserved. In addition, the in silico prediction for this alteration is inconclusive. Since supporting evidence is limited at this time, the clinical significance of this alteration remains unclear.